The following is an entry in ClinVar:

ClinVar aggregate classification (germline): Likely benign. Review status: criteria provided, multiple submitters, no conflicts (2 of 4 stars). 5 submissions from 5 submitters: Likely benign (4). 1 of the submissions does not count toward it. Last evaluated 2026-06-01.

Conditions:
GAS8-related disorder. Also called: GAS8-related condition.
Primary ciliary dyskinesia 33. Also called: CILIARY DYSKINESIA, PRIMARY, 33, WITHOUT SITUS INVERSUS. Identifiers: Orphanet 244, MedGen C4225230, MONDO:0014750, OMIM 616726.

Allele frequency attached by ClinVar (database versions not stated): gnomAD 0.00177 and 0.00163; ExAC 0.00196; gnomAD exomes 0.00231 and 0.00140; ESP Exome Variant Server 0.00239; 1000 Genomes Project 30x 0.00031; 1000 Genomes Project 0.00040; TOPMed 0.00173.
gnomAD v4.1: 3,586 of 1,608,366 alleles (0.22%); highest among the groups gnomAD compares: Non-Finnish European, 0.27%; 6 homozygotes.

Submissions (5):

CeGaT Center for Human Genetics Tuebingen
Classification: Likely benign. Last evaluated: 2026-06-01. Review status: criteria provided, single submitter. Criteria: CeGaT Center For Human Genetics Tuebingen Variant Classification Criteria Version 2. Collection method: clinical testing. Allele origin: germline. Affected: yes. Observed: 1 variant allele.
Comment: DRC4: BS2

Labcorp Genetics (formerly Invitae), Labcorp
Classification: Likely benign for Primary ciliary dyskinesia 33. Last evaluated: 2026-01-24. Review status: criteria provided, single submitter. Criteria: Invitae Variant Classification Sherloc (09022015). Collection method: clinical testing. Allele origin: germline.

Blueprint Genetics
Classification: Likely benign. Last evaluated: 2024-11-25. Review status: criteria provided, single submitter. Criteria: ACMG Guidelines, 2015. Collection method: clinical testing. Allele origin: germline.

Breakthrough Genomics
Classification: Likely benign. Review status: criteria provided, single submitter. Criteria: ACMG Guidelines, 2015. Collection method: not provided. Allele origin: germline. Inheritance: Autosomal recessive inheritance. Affected: yes.

PreventionGenetics, part of Exact Sciences
Classification: Likely benign for GAS8-related condition. Last evaluated: 2019-05-08. Review status: no assertion criteria provided. Collection method: clinical testing. Allele origin: germline. Not counted in ClinVar's aggregate classification.
Comment: This variant is classified as likely benign based on ACMG/AMP sequence variant interpretation guidelines (Richards et al. 2015 PMID: 25741868, with internal and published modifications).

NM_001481.3(DRC4):c.1073A>G (p.Gln358Arg)

Gene: DRC4 (dynein regulatory complex subunit 4; plus strand). Cytogenetic location: 16q24.3.
Variant type: single nucleotide variant.
Coding change: c.1073A>G on transcript NM_001481.3 (MANE Select); coding-DNA position 1073, A replaced by G.
Protein change: p.Gln358Arg; replaces glutamine 358 with arginine.
Molecular consequence: missense variant. On other transcripts: non-coding transcript variant (1).
Genome position (GRCh38, 1-based): chr16:90,040,361, A>G. VCF-style: chr16-90040361-A-G. GRCh37 (hg19) VCF-style: chr16-90106769-A-G.
Other names: c.824A>G, p.Gln275Arg (NM_001286205.2); c.497A>G, p.Gln166Arg (NM_001286208.2); c.998A>G, p.Gln333Arg (NM_001286209.2); short protein forms Q358R, Q333R, Q166R, Q275R.
Identifiers: ClinVar variation 542269 (VCV000542269.17), dbSNP rs145962792, ClinGen allele CA8258094.